The following is an entry in ClinVar:

ClinVar aggregate classification (germline): Uncertain significance (1 of 4 stars; one submission).

Allele frequency attached by ClinVar (database versions not stated): TOPMed below 0.00001.
gnomAD v4.1: 14 of 1,612,198 alleles (0.00087%); highest among the groups gnomAD compares: South Asian, 0.0011%; no homozygotes.

Submission:

Labcorp Genetics (formerly Invitae), Labcorp
Classification: Uncertain significance. Last evaluated: 2023-08-04. Review status: criteria provided, single submitter. Criteria: Invitae Variant Classification Sherloc (09022015). Collection method: clinical testing. Allele origin: germline.
Comment: In summary, the available evidence is currently insufficient to determine the role of this variant in disease. Therefore, it has been classified as a Variant of Uncertain Significance. Advanced modeling of protein sequence and biophysical properties (such as structural, functional, and spatial information, amino acid conservation, physicochemical variation, residue mobility, and thermodynamic stability) has been performed at Invitae for this missense variant, however the output from this modeling did not meet the statistical confidence thresholds required to predict the impact of this variant on GFAP protein function. This variant has not been reported in the literature in individuals affected with GFAP-related conditions. This variant is not present in population databases (gnomAD no frequency). This sequence change replaces leucine, which is neutral and non-polar, with phenylalanine, which is neutral and non-polar, at codon 46 of the GFAP protein (p.Leu46Phe).

NM_002055.5(GFAP):c.136C>T (p.Leu46Phe)

Gene: GFAP (glial fibrillary acidic protein; minus strand). Cytogenetic location: 17q21.31.
Variant type: single nucleotide variant.
Coding change: c.136C>T on transcript NM_002055.5 (MANE Select); coding-DNA position 136, C replaced by T.
Protein change: p.Leu46Phe; replaces leucine 46 with phenylalanine.
Molecular consequence: missense variant.
Genome position (GRCh38, 1-based): chr17:44,915,351, G>A on the plus strand (C>T on the coding strand, the complement: GFAP is on the minus strand). VCF-style: chr17-44915351-G-A. GRCh37 (hg19) VCF-style: chr17-42992719-G-A.
Other names: c.136C>T, p.Leu46Phe (NM_001131019.3, NM_001242376.3, NM_001363846.2); short protein forms L46F.
Identifiers: ClinVar variation 3007822 (VCV003007822.3), dbSNP rs1347539627, ClinGen allele CA399849027.